The following is an entry in ClinVar:

NM_000257.4(MYH7):c.2037G>C (p.Lys679Asn)

Gene: MYH7 (myosin heavy chain 7; minus strand). Cytogenetic location: 14q11.2.
Variant type: single nucleotide variant.
Coding change: c.2037G>C on transcript NM_000257.4 (MANE Select); coding-DNA position 2037, G replaced by C.
Protein change: p.Lys679Asn; replaces lysine 679 with asparagine.
Molecular consequence: missense variant.
Genome position (GRCh38, 1-based): chr14:23,426,784, C>G on the plus strand (G>C on the coding strand, the complement: MYH7 is on the minus strand). VCF-style: chr14-23426784-C-G. GRCh37 (hg19) VCF-style: chr14-23895993-C-G.
Other names: c.2037G>C, p.Lys679Asn (NM_001407004.1); short protein forms K679N.
Identifiers: ClinVar variation 4841537 (VCV004841537.1).

ClinVar aggregate classification (germline): Uncertain significance (1 of 4 stars; one submission).

Conditions:
Cardiovascular phenotype. Identifiers: MedGen CN230736.

Submission:

Ambry Genetics
Classification: Uncertain significance for Cardiovascular phenotype. Last evaluated: 2026-01-07. Review status: criteria provided, single submitter. Criteria: Ambry Variant Classification Scheme 2023. Collection method: clinical testing. Allele origin: germline.
Comment: The p.K679N variant (also known as c.2037G>C), located in coding exon 16 of the MYH7 gene, results from a G to C substitution at nucleotide position 2037. The lysine at codon 679 is replaced by asparagine, an amino acid with similar properties. This alteration is located in the myosin head domain, which contains a statistically significant clustering of pathogenic missense variants (Homburger JR et al. Proc Natl Acad Sci U S A, 2016 06;113:6701-6; Walsh R et al. Genet Med, 2017 02;19:192-203; Ambry internal data). This variant was reported in individual(s) with features consistent with hypertrophic cardiomyopathy (Ambry internal data). This amino acid position is highly conserved in available vertebrate species. In addition, the in silico prediction for this alteration is inconclusive. Based on the available evidence, the clinical significance of this variant remains unclear.